The following is an entry in ClinVar:

ClinVar aggregate classification (germline): Pathogenic (1 of 4 stars; one submission).

Submission:

Labcorp Genetics (formerly Invitae), Labcorp
Classification: Pathogenic. Last evaluated: 2021-12-25. Review status: criteria provided, single submitter. Criteria: Invitae Variant Classification Sherloc (09022015). Collection method: clinical testing. Allele origin: germline.
Comment: For these reasons, this variant has been classified as Pathogenic. This variant has not been reported in the literature in individuals affected with HPS1-related conditions. This variant is not present in population databases (gnomAD no frequency). This sequence change creates a premature translational stop signal (p.Asp427Argfs*26) in the HPS1 gene. It is expected to result in an absent or disrupted protein product. Loss-of-function variants in HPS1 are known to be pathogenic (PMID: 12442288, 16185271).

Literature cited by the submitters: PubMed 12442288; PubMed 16185271.

NM_000195.5(HPS1):c.1277dup (p.Asp427fs)

Gene: HPS1 (HPS1 biogenesis of lysosomal organelles complex 3 subunit 1; minus strand). Cytogenetic location: 10q24.2.
Variant type: Duplication.
Coding change: c.1277dup on transcript NM_000195.5 (MANE Select); coding-DNA position 1277, one base duplicated (G; older notation c.1277dupG).
Protein change: p.Asp427fs; shifts the reading frame from aspartic acid 427.
Molecular consequence: frameshift variant.
Genome position (GRCh38, 1-based): chr10:98,425,599, C duplicated on the plus strand (G on the coding strand, the reverse complement: HPS1 is on the minus strand); the first of 3 consecutive C bases (chr10:98,425,599-98,425,601); duplicating any one gives the same sequence. VCF-style (leftmost placement, unchanged base first): chr10-98425598-T-TC. GRCh37 (hg19) VCF-style: chr10-100185355-T-TC.
Other names: c.305dup, p.Asp103fs (NM_001311345.2, NM_001322487.2, NM_001322489.2); c.1277dup, p.Asp427fs (NM_001322476.2, NM_001322477.2); c.1178dup, p.Asp394fs (NM_001322478.2, NM_001322479.2); c.1016dup, p.Asp340fs (NM_001322480.2, NM_001322481.2); c.917dup, p.Asp307fs (NM_001322482.2); c.908dup, p.Asp304fs (NM_001322483.2, NM_001322484.2); c.809dup, p.Asp271fs (NM_001322485.2); short protein forms D304fs, D394fs, D427fs, D271fs, D103fs, D307fs, D340fs.
Identifiers: ClinVar variation 2059821 (VCV002059821.4), dbSNP rs2538833621, ClinGen allele CA2580082543.